The following is an entry in ClinVar:

ClinVar aggregate classification (germline): Benign/Likely benign. Review status: criteria provided, multiple submitters, no conflicts (2 of 4 stars). 5 submissions from 5 submitters: Benign (2); Likely benign (3). Last evaluated 2026-06-01.

Conditions:
DNMT1-related disorder. Also called: DNMT1-related condition. Identifiers: MedGen CN381527.
Hereditary sensory neuropathy-deafness-dementia syndrome. Also called: HSN IE; Hereditary sensory neuropathy type IE; Hereditary Sensory and Autonomic Neuropathy Type 1E (HSAN1E); NEUROPATHY, HEREDITARY SENSORY, WITH HEARING LOSS AND DEMENTIA. Identifiers: Orphanet 456318, MedGen C3279885, MONDO:0013584, OMIM 614116.

Allele frequency attached by ClinVar (database versions not stated): gnomAD 0.00006; gnomAD exomes 0.00007 and 0.00035; TOPMed 0.00017; ExAC 0.00030.
gnomAD v4.1: 116 of 1,614,118 alleles (0.0072%); highest among the groups gnomAD compares: Admixed American, 0.17%; no homozygotes.

Submissions (5):

CeGaT Center for Human Genetics Tuebingen
Classification: Likely benign. Last evaluated: 2026-06-01. Review status: criteria provided, single submitter. Criteria: CeGaT Center For Human Genetics Tuebingen Variant Classification Criteria Version 2. Collection method: clinical testing. Allele origin: germline. Affected: yes. Observed: 2 variant alleles.
Comment: DNMT1: BP4, BP7, BS1

Labcorp Genetics (formerly Invitae), Labcorp
Classification: Benign for Hereditary sensory neuropathy-deafness-dementia syndrome. Last evaluated: 2025-12-22. Review status: criteria provided, single submitter. Criteria: Invitae Variant Classification Sherloc (09022015). Collection method: clinical testing. Allele origin: germline.

Mayo Clinic Laboratories, Mayo Clinic
Classification: Likely benign. Last evaluated: 2025-09-04. Review status: criteria provided, single submitter. Criteria: ACMG Guidelines, 2015. Collection method: clinical testing. Allele origin: germline. Observed: 1 variant allele.
Comment: BS1, BP4, BP7

PreventionGenetics, part of Exact Sciences
Classification: Likely benign for DNMT1-related condition. Last evaluated: 2024-10-18. Review status: criteria provided, single submitter. Criteria: ACMG Guidelines, 2015. Collection method: clinical testing. Allele origin: germline.
Comment: This variant is classified as likely benign based on ACMG/AMP sequence variant interpretation guidelines (Richards et al. 2015 PMID: 25741868, with internal and published modifications).

GeneDx
Classification: Benign. Last evaluated: 2021-05-10. Review status: criteria provided, single submitter. Criteria: GeneDx Variant Classification Process June 2021. Collection method: clinical testing. Allele origin: germline. Affected: yes.

NM_001130823.3(DNMT1):c.1845G>A (p.Ala615=)

Gene: DNMT1 (DNA methyltransferase 1; minus strand). Cytogenetic location: 19p13.2.
Variant type: single nucleotide variant.
Coding change: c.1845G>A on transcript NM_001130823.3 (MANE Select); coding-DNA position 1845, G replaced by A.
Protein change: p.Ala615=; no amino-acid change (alanine 615 retained).
Molecular consequence: synonymous variant.
Genome position (GRCh38, 1-based): chr19:10,154,467, C>T on the plus strand (G>A on the coding strand, the complement: DNMT1 is on the minus strand). VCF-style: chr19-10154467-C-T. GRCh37 (hg19) VCF-style: chr19-10265143-C-T.
Other names: p.Ala615=; c.1797G>A, p.Ala599= (NM_001318730.2, NM_001379.4); c.1482G>A, p.Ala494= (NM_001318731.2); c.1845G>A (LRG_362t1, NM_001130823.2).
Identifiers: ClinVar variation 539611 (VCV000539611.20), dbSNP rs761852984, ClinGen allele CA9188180.